The following is an entry in ClinVar:

NM_001365999.1(SZT2):c.8140C>T (p.Arg2714Ter)

Gene: SZT2 (SZT2 subunit of KICSTOR complex; plus strand). Cytogenetic location: 1p34.2.
Variant type: single nucleotide variant.
Coding change: c.8140C>T on transcript NM_001365999.1 (MANE Select); coding-DNA position 8140, C replaced by T.
Protein change: p.Arg2714Ter; replaces arginine 2714 with a stop codon.
Molecular consequence: nonsense.
Genome position (GRCh38, 1-based): chr1:43,442,607, C>T. VCF-style: chr1-43442607-C-T. GRCh37 (hg19) VCF-style: chr1-43908278-C-T.
Other names: c.7969C>T, p.Arg2657Ter (NM_015284.4); short protein forms R2657*, R2714*.
Identifiers: ClinVar variation 936726 (VCV000936726.10), dbSNP rs1438773569, ClinGen allele CA340037804.

ClinVar aggregate classification (germline): Pathogenic/Likely pathogenic. Review status: criteria provided, multiple submitters, no conflicts (2 of 4 stars). 2 submissions from 2 submitters: Pathogenic (1); Likely pathogenic (1). Last evaluated 2023-06-27.

Conditions:
Developmental and epileptic encephalopathy, 18 (DEE18). Also called: Early infantile epileptic encephalopathy 18. Identifiers: Orphanet 369894, MedGen C3809624, MONDO:0014201, OMIM 615476.

Allele frequency attached by ClinVar (database versions not stated): gnomAD exomes below 0.00001; TOPMed below 0.00001; gnomAD 0.00001.
gnomAD v4.1: 4 of 1,602,398 alleles (0.00025%); highest among the groups gnomAD compares: Non-Finnish European, 0.00034%; no homozygotes.

Submissions (3):

Labcorp Genetics (formerly Invitae), Labcorp
Classification: Pathogenic. Last evaluated: 2023-06-27. Review status: criteria provided, single submitter. Criteria: Invitae Variant Classification Sherloc (09022015). Collection method: clinical testing. Allele origin: germline.
Comment: For these reasons, this variant has been classified as Pathogenic. Algorithms developed to predict the effect of sequence changes on RNA splicing suggest that this variant may create or strengthen a splice site. ClinVar contains an entry for this variant (Variation ID: 936726). This variant has not been reported in the literature in individuals affected with SZT2-related conditions. This variant is not present in population databases (gnomAD no frequency). This sequence change creates a premature translational stop signal (p.Arg2657*) in the SZT2 gene. It is expected to result in an absent or disrupted protein product. Loss-of-function variants in SZT2 are known to be pathogenic (PMID: 23932106, 27248490, 28556953).

Juno Genomics, Hangzhou Juno Genomics, Inc
Classification: Likely pathogenic for Developmental and epileptic encephalopathy, 18. Review status: criteria provided, single submitter. Criteria: ACMG Guidelines, 2015. Collection method: clinical testing. Allele origin: germline.
Comment: Null variant in a gene where loss of function (LOF) is a known mechanism of disease.;Absent from controls (or at extremely low frequency if recessive) in Genome Aggregation Database.

Dr. Peter K. Rogan Lab, Western University
No classification provided (evidence only). Condition: Cervical cancer. Review status: no classification provided. Collection method: in vitro. Allele origin: not applicable. Functional consequence: retained intron. Not counted in ClinVar's aggregate classification.

Literature cited by the submitters: PubMed 23932106 (cited by Labcorp Genetics (formerly Invitae), Labcorp); PubMed 27248490 (cited by Labcorp Genetics (formerly Invitae), Labcorp); PubMed 28556953 (cited by Labcorp Genetics (formerly Invitae), Labcorp).